The following is an entry in ClinVar:

ClinVar aggregate classification (germline): Conflicting classifications of pathogenicity. Review status: criteria provided, conflicting classifications (1 of 4 stars). 3 submissions from 3 submitters: Uncertain significance (1); Likely benign (1). 1 of the submissions does not count toward it. Last evaluated 2025-07-22.

Conditions:
SON-related disorder. Also called: SON-related condition.

Allele frequency attached by ClinVar (database versions not stated): gnomAD 0.00005; gnomAD exomes 0.00011; 1000 Genomes Project 30x 0.00016; ExAC 0.00018; 1000 Genomes Project 0.00020.

Submissions (3):

Labcorp Genetics (formerly Invitae), Labcorp
Classification: Uncertain significance. Last evaluated: 2025-07-22. Review status: criteria provided, single submitter. Criteria: Invitae Variant Classification Sherloc (09022015). Collection method: clinical testing. Allele origin: germline.
Comment: This sequence change replaces glycine, which is neutral and non-polar, with aspartic acid, which is acidic and polar, at codon 1944 of the SON protein (p.Gly1944Asp). This variant is present in population databases (rs543888641, gnomAD 0.07%), and has an allele count higher than expected for a pathogenic variant. This variant has not been reported in the literature in individuals affected with SON-related conditions. ClinVar contains an entry for this variant (Variation ID: 3031690). Experimental studies and prediction algorithms are not available or were not evaluated, and the functional significance of this variant is currently unknown. In summary, the available evidence is currently insufficient to determine the role of this variant in disease. Therefore, it has been classified as a Variant of Uncertain Significance.

CeGaT Center for Human Genetics Tuebingen
Classification: Likely benign. Last evaluated: 2024-10-01. Review status: criteria provided, single submitter. Criteria: CeGaT Center For Human Genetics Tuebingen Variant Classification Criteria Version 2. Collection method: clinical testing. Allele origin: germline. Affected: yes. Observed: 1 variant allele.
Comment: SON: BS2

PreventionGenetics, part of Exact Sciences
Classification: Likely benign for SON-related condition. Last evaluated: 2022-04-21. Review status: no assertion criteria provided. Collection method: clinical testing. Allele origin: germline. Not counted in ClinVar's aggregate classification.
Comment: This variant is classified as likely benign based on ACMG/AMP sequence variant interpretation guidelines (Richards et al. 2015 PMID: 25741868, with internal and published modifications).

NM_138927.4(SON):c.5831G>A (p.Gly1944Asp)

Gene: SON (SON DNA and RNA binding protein; plus strand). Cytogenetic location: 21q22.11.
Variant type: single nucleotide variant.
Coding change: c.5831G>A on transcript NM_138927.4 (MANE Select); coding-DNA position 5831, G replaced by A.
Protein change: p.Gly1944Asp; replaces glycine 1944 with aspartic acid.
Molecular consequence: missense variant. On other transcripts: non-coding transcript variant (1), intron variant (1).
Genome position (GRCh38, 1-based): chr21:33,555,062, G>A. VCF-style: chr21-33555062-G-A. GRCh37 (hg19) VCF-style: chr21-34927368-G-A.
Other names: c.5831G>A, p.Gly1944Asp (NM_001291411.2, NM_001412133.1, NM_032195.3 and 2 more transcripts); c.245-2094G>A (NM_001291412.3); short protein forms G1944D.
Identifiers: ClinVar variation 3031690 (VCV003031690.17), dbSNP rs543888641, ClinGen allele CA10009814.
Genomic context (GRCh38, chr21:33,555,062, plus strand): 5'-CCCCAAGTCGTCGGAGTCGGAGTCATACTCCAAGTCGTCGACGAAGGTCTAGATCTGTGG[G>A]TAGAAGAAGGAGCTTTAGCATTTCCCCAAGCCGCCGCAGCCGCACCCCCAGCCGCCGCAG-3'
Protein context (NP_620305.3, residues 1934-1954): PSRRRRSRSV[Gly1944Asp]RRRSFSISPS